The following is an entry in ClinVar:

NM_152393.4(KLHL40):c.248C>G (p.Ala83Gly)

Gene: KLHL40 (kelch like family member 40; plus strand). Cytogenetic location: 3p22.1.
Variant type: single nucleotide variant.
Coding change: c.248C>G on transcript NM_152393.4 (MANE Select); coding-DNA position 248, C replaced by G.
Protein change: p.Ala83Gly; replaces alanine 83 with glycine.
Molecular consequence: missense variant.
Genome position (GRCh38, 1-based): chr3:42,685,866, C>G. VCF-style: chr3-42685866-C-G. GRCh37 (hg19) VCF-style: chr3-42727358-C-G.
Other names: short protein forms A83G.
Identifiers: ClinVar variation 1408374 (VCV001408374.7), dbSNP rs1246685748, ClinGen allele CA352288978.

ClinVar aggregate classification (germline): Uncertain significance (1 of 4 stars; one submission).

Conditions:
Nemaline myopathy 8 (NEM8). Also called: Nemaline myopathy 8, autosomal recessive. Identifiers: Orphanet 171430, MedGen C3809209, MONDO:0014138, OMIM 615348.

Allele frequency attached by ClinVar (database versions not stated): gnomAD exomes below 0.00001 and 0.00001; TOPMed 0.00002.
gnomAD v4.1: 3 of 1,612,892 alleles (0.00019%); highest among the groups gnomAD compares: Non-Finnish European, 0.00025%; no homozygotes.

Submission:

Labcorp Genetics (formerly Invitae), Labcorp
Classification: Uncertain significance for Nemaline myopathy 8. Last evaluated: 2021-08-02. Review status: criteria provided, single submitter. Criteria: Invitae Variant Classification Sherloc (09022015). Collection method: clinical testing. Allele origin: germline.
Comment: This variant is not present in population databases (ExAC no frequency). This sequence change replaces alanine with glycine at codon 83 of the KLHL40 protein (p.Ala83Gly). The alanine residue is moderately conserved and there is a small physicochemical difference between alanine and glycine. This variant has not been reported in the literature in individuals with KLHL40-related conditions. Algorithms developed to predict the effect of missense changes on protein structure and function output the following: SIFT: "Tolerated"; PolyPhen-2: "Benign"; Align-GVGD: "Class C0". The glycine amino acid residue is found in multiple mammalian species, suggesting that this missense change does not adversely affect protein function. These predictions have not been confirmed by published functional studies and their clinical significance is uncertain. In summary, the available evidence is currently insufficient to determine the role of this variant in disease. Therefore, it has been classified as a Variant of Uncertain Significance.